The following is an entry in ClinVar:

ClinVar aggregate classification (germline): Conflicting classifications of pathogenicity. Review status: criteria provided, conflicting classifications (1 of 4 stars). 6 submissions from 6 submitters: Uncertain significance (5); Likely benign (1). Last evaluated 2024-05-06.

Conditions:
Dilated cardiomyopathy 1G (CMD1G). Identifiers: Orphanet 154, MedGen C1858763, MONDO:0011400, OMIM 604145.
Autosomal recessive limb-girdle muscular dystrophy type 2J (LGMDR10). Also called: Limb-girdle muscular dystrophy, type 2J; MUSCULAR DYSTROPHY, LIMB-GIRDLE, AUTOSOMAL RECESSIVE 10. Identifiers: Orphanet 140922, MedGen C1837342, MONDO:0012127, OMIM 608807.
Cardiovascular phenotype. Identifiers: MedGen CN230736.

Allele frequency attached by ClinVar (database versions not stated): gnomAD exomes 0.00001 and 0.00004; ExAC 0.00003; TOPMed 0.00003; gnomAD 0.00005 and 0.00010.
gnomAD v4.1: 33 of 1,613,944 alleles (0.002%); highest among the groups gnomAD compares: African/African-American, 0.021%; 1 homozygote.

Submissions (6):

Blueprint Genetics
Classification: Uncertain significance. Last evaluated: 2024-05-06. Review status: criteria provided, single submitter. Criteria: ACMG Guidelines, 2015. Collection method: clinical testing. Allele origin: germline.

GeneDx
Classification: Likely benign. Last evaluated: 2021-03-30. Review status: criteria provided, single submitter. Criteria: GeneDx Variant Classification Process June 2021. Collection method: clinical testing. Allele origin: germline. Affected: yes.

Revvity Omics, Revvity
Classification: Uncertain significance. Last evaluated: 2019-05-13. Review status: criteria provided, single submitter. Criteria: ACMG Guidelines, 2015. Collection method: clinical testing. Allele origin: germline.

Ambry Genetics
Classification: Uncertain significance for Cardiovascular phenotype. Last evaluated: 2017-09-26. Review status: criteria provided, single submitter. Criteria: Ambry Variant Classification Scheme 2023. Collection method: clinical testing. Allele origin: germline.
Comment: The p.R966Q variant (also known as c.2897G>A), located in coding exon 16 of the TTN gene, results from a G to A substitution at nucleotide position 2897. The arginine at codon 966 is replaced by glutamine, an amino acid with highly similar properties. This amino acid position is highly conserved in available vertebrate species. In addition, the in silico prediction for this alteration is inconclusive. Since supporting evidence is limited at this time, the clinical significance of this alteration remains unclear.

Labcorp Genetics (formerly Invitae), Labcorp
Classification: Uncertain significance for Dilated cardiomyopathy 1G; Autosomal recessive limb-girdle muscular dystrophy type 2J. Last evaluated: 2017-08-28. Review status: criteria provided, single submitter. Criteria: Invitae Variant Classification Sherloc (09022015). Collection method: clinical testing. Allele origin: germline.

Eurofins Ntd Llc (ga)
Classification: Uncertain significance. Last evaluated: 2017-07-26. Review status: criteria provided, single submitter. Criteria: EGL Classification Definitions 2015. Collection method: clinical testing. Allele origin: germline. Observed: 1 variant allele, 1 heterozygote.

NM_001267550.2(TTN):c.3035G>A (p.Arg1012Gln)

Gene: TTN (titin; minus strand). Cytogenetic location: 2q31.2.
Variant type: single nucleotide variant.
Coding change: c.3035G>A on transcript NM_001267550.2 (MANE Select); coding-DNA position 3035, G replaced by A.
Protein change: p.Arg1012Gln; replaces arginine 1012 with glutamine.
Molecular consequence: missense variant.
Genome position (GRCh38, 1-based): chr2:178,782,871, C>T on the plus strand (G>A on the coding strand, the complement: TTN is on the minus strand). VCF-style: chr2-178782871-C-T. GRCh37 (hg19) VCF-style: chr2-179647598-C-T.
Other names: c.2897G>A, p.Arg966Gln (NM_003319.4, NM_133432.3, NM_133437.4); c.3035G>A, p.Arg1012Gln (NM_001256850.1, NM_133378.4, NM_133379.5); short protein forms R1012Q, R966Q.
Identifiers: ClinVar variation 518720 (VCV000518720.17), dbSNP rs368885310, ClinGen allele CA2005663.